The following is an entry in ClinVar:

NM_017636.4(TRPM4):c.89C>T (p.Pro30Leu)

Gene: TRPM4 (transient receptor potential cation channel subfamily M member 4; plus strand). Cytogenetic location: 19q13.33.
Variant type: single nucleotide variant.
Coding change: c.89C>T on transcript NM_017636.4 (MANE Select); coding-DNA position 89, C replaced by T.
Protein change: p.Pro30Leu; replaces proline 30 with leucine.
Molecular consequence: missense variant. On other transcripts: 5 prime UTR variant (3).
Genome position (GRCh38, 1-based): chr19:49,158,256, C>T. VCF-style: chr19-49158256-C-T. GRCh37 (hg19) VCF-style: chr19-49661513-C-T.
Other names: c.89C>T, p.Pro30Leu (NM_001195227.2, NM_001321281.2); c.-1284C>T (NM_001321282.2); c.-78C>T (NM_001321283.2); c.-241C>T (NM_001321285.2); short protein forms P30L.
Identifiers: ClinVar variation 2954875 (VCV002954875.3), dbSNP rs200868666, ClinGen allele CA9568657.

ClinVar aggregate classification (germline): Uncertain significance (1 of 4 stars; one submission).

Conditions:
Progressive familial heart block type IB (PFHB1B). Identifiers: Orphanet 871, MedGen C1970298, MONDO:0011474, OMIM 604559.

Allele frequency attached by ClinVar (database versions not stated): gnomAD exomes 0.00002; 1000 Genomes Project 30x 0.00016; 1000 Genomes Project 0.00020; ExAC 0.00001.
gnomAD v4.1: 14 of 1,613,750 alleles (0.00087%); highest among the groups gnomAD compares: East Asian, 0.029%; no homozygotes.

Submission:

Labcorp Genetics (formerly Invitae), Labcorp
Classification: Uncertain significance for Progressive familial heart block type IB. Last evaluated: 2024-01-17. Review status: criteria provided, single submitter. Criteria: Invitae Variant Classification Sherloc (09022015). Collection method: clinical testing. Allele origin: germline.
Comment: This sequence change replaces proline, which is neutral and non-polar, with leucine, which is neutral and non-polar, at codon 30 of the TRPM4 protein (p.Pro30Leu). This variant is not present in population databases (gnomAD no frequency). This variant has not been reported in the literature in individuals affected with TRPM4-related conditions. An algorithm developed to predict the effect of missense changes on protein structure and function (PolyPhen-2) suggests that this variant is likely to be tolerated. In summary, the available evidence is currently insufficient to determine the role of this variant in disease. Therefore, it has been classified as a Variant of Uncertain Significance.